The following is an entry in ClinVar:

NM_000455.5(STK11):c.921-9del

Gene: STK11 (serine/threonine kinase 11; plus strand). Cytogenetic location: 19p13.3.
Variant type: Deletion.
Coding change: c.921-9del on transcript NM_000455.5 (MANE Select); 9 bases into the intron before coding-DNA position 921, one base deleted (C; older notation c.921-9delC).
Molecular consequence: intron variant.
Genome position (GRCh38, 1-based): chr19:1,222,976, C deleted. VCF-style (leftmost placement, unchanged base first): chr19-1222975-GC-G. GRCh37 (hg19) VCF-style: chr19-1222974-GC-G.
Other names: c.921-9delC (NM_000455.4).
Identifiers: ClinVar variation 513531 (VCV000513531.6), dbSNP rs1555739151, ClinGen allele CA658799094.

ClinVar aggregate classification (germline): Likely benign. Review status: criteria provided, multiple submitters, no conflicts (2 of 4 stars). 3 submissions from 3 submitters: Likely benign (3). Last evaluated 2026-06-22.

Conditions:
STK11-related disorder. Also called: STK11-related condition.
Peutz-Jeghers syndrome (PJS). Also called: POLYPOSIS, HAMARTOMATOUS INTESTINAL; POLYPS-AND-SPOTS SYNDROME; Peutz-Jeghers polyposis; Periorificial lentiginosis syndrome. Identifiers: Orphanet 2869, MedGen C0031269, MeSH D010580, MONDO:0008280, OMIM 175200.

Allele frequency attached by ClinVar (database versions not stated): TOPMed below 0.00001.

Submissions (3):

PreventionGenetics, part of Exact Sciences
Classification: Likely benign for STK11-related condition. Last evaluated: 2026-06-22. Review status: criteria provided, single submitter. Criteria: ACMG Guidelines, 2015. Collection method: clinical testing. Allele origin: germline.
Comment: This variant is classified as likely benign based on ACMG/AMP sequence variant interpretation guidelines (Richards et al. 2015 PMID: 25741868, with internal and published modifications).

Labcorp Genetics (formerly Invitae), Labcorp
Classification: Likely benign for Peutz-Jeghers syndrome. Last evaluated: 2025-05-25. Review status: criteria provided, single submitter. Criteria: Invitae Variant Classification Sherloc (09022015). Collection method: clinical testing. Allele origin: germline.

GeneDx
Classification: Likely benign. Last evaluated: 2017-11-16. Review status: criteria provided, single submitter. Criteria: GeneDx Variant Classification (06012015). Collection method: clinical testing. Allele origin: germline. Affected: yes.
Comment: This variant is considered likely benign or benign based on one or more of the following criteria: it is a conservative change, it occurs at a poorly conserved position in the protein, it is predicted to be benign by multiple in silico algorithms, and/or has population frequency not consistent with disease.